The following is an entry in ClinVar:

NM_030912.3(TRIM8):c.1396C>G (p.Leu466Val)

Gene: TRIM8 (tripartite motif containing 8; plus strand). Cytogenetic location: 10q24.32.
Variant type: single nucleotide variant.
Coding change: c.1396C>G on transcript NM_030912.3 (MANE Select); coding-DNA position 1396, C replaced by G.
Protein change: p.Leu466Val; replaces leucine 466 with valine.
Molecular consequence: missense variant. On other transcripts: non-coding transcript variant (1).
Genome position (GRCh38, 1-based): chr10:102,657,094, C>G. VCF-style: chr10-102657094-C-G. GRCh37 (hg19) VCF-style: chr10-104416851-C-G.
Other names: c.1300C>G, p.Leu434Val (NM_001345950.1); short protein forms L466V, L434V.
Identifiers: ClinVar variation 2015783 (VCV002015783.4), dbSNP rs1240515371, ClinGen allele CA377932450.
Genomic context (GRCh38, chr10:102,657,094, plus strand): 5'-TATCCCAATGGCTCCGCCGCCCAGCAGCCCATGCTCCCCCAGTATGGCGGCCGCAAGATT[C>G]TCGTCTGTTCTGTGGACAACTGTTACTGTTCTTCCGTGGCCAACCATGGCGGCCACCAGC-3'
Protein context (NP_112174.2, residues 456-476): MLPQYGGRKI[Leu466Val]VCSVDNCYCS

ClinVar aggregate classification (germline): Uncertain significance (1 of 4 stars; one submission).

Allele frequency attached by ClinVar (database versions not stated): gnomAD exomes below 0.00001; TOPMed below 0.00001; gnomAD 0.00001.
gnomAD v4.1: 4 of 1,613,700 alleles (0.00025%); highest among the groups gnomAD compares: Non-Finnish European, 0.00025%; no homozygotes.

Submission:

Labcorp Genetics (formerly Invitae), Labcorp
Classification: Uncertain significance. Last evaluated: 2022-07-26. Review status: criteria provided, single submitter. Criteria: Invitae Variant Classification Sherloc (09022015). Collection method: clinical testing. Allele origin: germline.
Comment: Algorithms developed to predict the effect of missense changes on protein structure and function (SIFT, PolyPhen-2, Align-GVGD) all suggest that this variant is likely to be disruptive. In summary, the available evidence is currently insufficient to determine the role of this variant in disease. Therefore, it has been classified as a Variant of Uncertain Significance. This variant has not been reported in the literature in individuals affected with TRIM8-related conditions. This sequence change replaces leucine, which is neutral and non-polar, with valine, which is neutral and non-polar, at codon 466 of the TRIM8 protein (p.Leu466Val). This variant is not present in population databases (gnomAD no frequency).